The following is an entry in ClinVar:

NM_000701.8(ATP1A1):c.248C>T (p.Pro83Leu)

Gene: ATP1A1 (ATPase Na+/K+ transporting subunit alpha 1; plus strand). Cytogenetic location: 1p13.1.
Variant type: single nucleotide variant.
Coding change: c.248C>T on transcript NM_000701.8 (MANE Select); coding-DNA position 248, C replaced by T.
Protein change: p.Pro83Leu; replaces proline 83 with leucine.
Molecular consequence: missense variant.
Genome position (GRCh38, 1-based): chr1:116,387,352, C>T. VCF-style: chr1-116387352-C-T. GRCh37 (hg19) VCF-style: chr1-116929974-C-T.
Other names: c.248C>T, p.Pro83Leu (NM_001160233.2); c.155C>T, p.Pro52Leu (NM_001160234.2); short protein forms P83L, P52L.
Identifiers: ClinVar variation 1396162 (VCV001396162.6), dbSNP rs1346636921, ClinGen allele CA341840977.
Genomic context (GRCh38, chr1:116,387,352, plus strand): 5'-TAACATCTGCTCGTGCAGCTGAGATCCTGGCGCGAGATGGTCCCAACGCCCTCACTCCCC[C>T]TCCCACTACTCCTGAATGGATCAAGTTTTGTCGGCAGCTCTTTGGGGGGTTCTCAATGTT-3'
Protein context (NP_000692.2, residues 73-93): ARDGPNALTP[Pro83Leu]PTTPEWIKFC

ClinVar aggregate classification (germline): Uncertain significance (1 of 4 stars; one submission).

gnomAD v4.1: 1 of 1,614,216 alleles (0.000062%); highest among the groups gnomAD compares: African/African-American, 0.0013%; no homozygotes.

Submission:

Labcorp Genetics (formerly Invitae), Labcorp
Classification: Uncertain significance. Last evaluated: 2025-03-18. Review status: criteria provided, single submitter. Criteria: Invitae Variant Classification Sherloc (09022015). Collection method: clinical testing. Allele origin: germline.
Comment: This sequence change replaces proline, which is neutral and non-polar, with leucine, which is neutral and non-polar, at codon 83 of the ATP1A1 protein (p.Pro83Leu). This variant is not present in population databases (gnomAD no frequency). This variant has not been reported in the literature in individuals affected with ATP1A1-related conditions. ClinVar contains an entry for this variant (Variation ID: 1396162). Invitae Evidence Modeling of protein sequence and biophysical properties (such as structural, functional, and spatial information, amino acid conservation, physicochemical variation, residue mobility, and thermodynamic stability) has been performed for this missense variant. However, the output from this modeling did not meet the statistical confidence thresholds required to predict the impact of this variant on ATP1A1 protein function. In summary, the available evidence is currently insufficient to determine the role of this variant in disease. Therefore, it has been classified as a Variant of Uncertain Significance.